The following is an entry in ClinVar:

ClinVar aggregate classification (germline): Conflicting classifications of pathogenicity. Review status: criteria provided, conflicting classifications (1 of 4 stars). 3 submissions from 3 submitters: Pathogenic (1); Uncertain significance (2). Last evaluated 2024-10-11.

Conditions:
Congenital sideroblastic anemia-B-cell immunodeficiency-periodic fever-developmental delay syndrome. Also called: Sideroblastic anemia with B-cell immunodeficiency, periodic fevers, and developmental delay. Identifiers: Orphanet 369861, MedGen C4015172, MONDO:0014487, OMIM 616084.

Submissions (3):

Labcorp Genetics (formerly Invitae), Labcorp
Classification: Pathogenic for Congenital sideroblastic anemia-B-cell immunodeficiency-periodic fever-developmental delay syndrome. Last evaluated: 2024-10-11. Review status: criteria provided, single submitter. Criteria: Invitae Variant Classification Sherloc (09022015). Collection method: clinical testing. Allele origin: germline.
Comment: This sequence change replaces histidine, which is basic and polar, with arginine, which is basic and polar, at codon 215 of the TRNT1 protein (p.His215Arg). This variant is present in population databases (no rsID available, gnomAD 0.0009%). This missense change has been observed in individual(s) with congenital sideroblastic anaemia with immunodeficiency, fevers and developmental delay (PMID: 28600779, 29358286). It has also been observed to segregate with disease in related individuals. Invitae Evidence Modeling of protein sequence and biophysical properties (such as structural, functional, and spatial information, amino acid conservation, physicochemical variation, residue mobility, and thermodynamic stability) indicates that this missense variant is expected to disrupt TRNT1 protein function with a positive predictive value of 80%. For these reasons, this variant has been classified as Pathogenic.

Revvity Omics, Revvity
Classification: Uncertain significance. Last evaluated: 2024-07-12. Review status: criteria provided, single submitter. Criteria: ACMG Guidelines, 2015. Collection method: clinical testing. Allele origin: germline.

3billion
Classification: Uncertain significance for Congenital sideroblastic anemia-B-cell immunodeficiency-periodic fever-developmental delay syndrome. Last evaluated: 2023-10-27. Review status: criteria provided, single submitter. Criteria: ACMG Guidelines, 2015. Collection method: clinical testing. Allele origin: germline. Affected: yes.
Comment: The variant is observed at an extremely low frequency in the gnomAD v2.1.1 dataset (total allele frequency: <0.001%). Predicted Consequence/Location: missense variant Damaging effect on gene or gene product predicted by in silico programs is uncertain. Same nucleotide change resulting in same amino acid change has been previously reported to be associated with TRNT1 related disorder (PMID: 28600779). However, the evidence of pathogenicity is insufficient at this time. Therefore, this variant is classified as VUS according to the recommendation of ACMG/AMP guideline.

Literature cited by the submitters: PubMed 28600779 (cited by Labcorp Genetics (formerly Invitae), Labcorp and 3billion); PubMed 29358286 (cited by Labcorp Genetics (formerly Invitae), Labcorp).

NM_182916.3(TRNT1):c.644A>G (p.His215Arg)

Gene: TRNT1 (tRNA nucleotidyl transferase 1; plus strand). Cytogenetic location: 3p26.2.
Variant type: single nucleotide variant.
Coding change: c.644A>G on transcript NM_182916.3 (MANE Select); coding-DNA position 644, A replaced by G.
Protein change: p.His215Arg; replaces histidine 215 with arginine.
Molecular consequence: missense variant. On other transcripts: non-coding transcript variant (6).
Genome position (GRCh38, 1-based): chr3:3,146,465, A>G. VCF-style: chr3-3146465-A-G. GRCh37 (hg19) VCF-style: chr3-3188149-A-G.
Other names: c.644A>G, p.His215Arg (NM_001302946.2, NM_001367321.1, NM_001367322.1 and 1 more transcripts); short protein forms H215R.
Identifiers: ClinVar variation 3720426 (VCV003720426.4).